The following is an entry in ClinVar:

NM_004259.7(RECQL5):c.2950C>T (p.His984Tyr)

Gene: RECQL5 (RecQ like helicase 5; minus strand). Cytogenetic location: 17q25.1.
Variant type: single nucleotide variant.
Coding change: c.2950C>T on transcript NM_004259.7 (MANE Select); coding-DNA position 2950, C replaced by T.
Protein change: p.His984Tyr; replaces histidine 984 with tyrosine.
Molecular consequence: missense variant.
Genome position (GRCh38, 1-based): chr17:75,627,448, G>A on the plus strand (C>T on the coding strand, the complement: RECQL5 is on the minus strand). VCF-style: chr17-75627448-G-A. GRCh37 (hg19) VCF-style: chr17-73623528-G-A.
Other names: short protein forms H984Y.
Identifiers: ClinVar variation 3054599 (VCV003054599.2), dbSNP rs553192607, ClinGen allele CA8766856.

ClinVar aggregate classification (germline): Uncertain significance (0 of 4 stars; one submission).

Conditions:
RECQL5-related disorder. Also called: RECQL5-related condition.

Allele frequency attached by ClinVar (database versions not stated): ExAC 0.00003; TOPMed 0.00003; gnomAD 0.00004; gnomAD exomes 0.00012; 1000 Genomes Project 30x 0.00016; 1000 Genomes Project 0.00020.
gnomAD v4.1: 189 of 1,613,638 alleles (0.012%); highest among the groups gnomAD compares: Non-Finnish European, 0.015%; 1 homozygote.

Submission:

PreventionGenetics, part of Exact Sciences
Classification: Uncertain significance for RECQL5-related condition. Last evaluated: 2024-02-12. Review status: no assertion criteria provided. Collection method: clinical testing. Allele origin: germline.
Comment: The RECQL5 c.2950C>T variant is predicted to result in the amino acid substitution p.His984Tyr. To our knowledge, this variant has not been reported in the literature. This variant is reported in 0.0083% of alleles in individuals of African descent in gnomAD. At this time, the clinical significance of this variant is uncertain due to the absence of conclusive functional and genetic evidence.